The following is an entry in ClinVar:

ClinVar aggregate classification (germline): Pathogenic/Likely pathogenic. Review status: criteria provided, multiple submitters, no conflicts (2 of 4 stars). 2 submissions from 2 submitters: Pathogenic (1); Likely pathogenic (1). Last evaluated 2024-03-04.

Conditions:
Lissencephaly 8 (LIS8). Identifiers: MedGen C4310646, MONDO:0014992, OMIM 617255.

Submissions (2):

Labcorp Genetics (formerly Invitae), Labcorp
Classification: Pathogenic. Last evaluated: 2024-03-04. Review status: criteria provided, single submitter. Criteria: Invitae Variant Classification Sherloc (09022015). Collection method: clinical testing. Allele origin: germline.
Comment: This sequence change creates a premature translational stop signal (p.Lys518Asnfs*11) in the TMTC3 gene. It is expected to result in an absent or disrupted protein product. Loss-of-function variants in TMTC3 are known to be pathogenic (PMID: 27773428, 28973161). This variant is not present in population databases (gnomAD no frequency). This variant has not been reported in the literature in individuals affected with TMTC3-related conditions. ClinVar contains an entry for this variant (Variation ID: 1339495). For these reasons, this variant has been classified as Pathogenic.

Dasa
Classification: Likely pathogenic for Lissencephaly 8. Last evaluated: 2022-02-05. Review status: criteria provided, single submitter. Criteria: ACMG Guidelines, 2015. Collection method: clinical testing. Allele origin: germline. Affected: yes. Observed: 1 variant allele.
Comment: The c.1554del;p.(Lys518Asnfs*11) is a null frameshift variant (NMD) in the TMTC3 gene and predicts alteration of the nonsense-mediate decay - NMD is present in a relevant exon to the transcript - PVS1. This variant is not present in population databases (rs746894544, gnomAD; ABraOM no frequency) - PM2. In summary, the currently available evidence indicates that the variant is likely pathogenic.

Literature cited by the submitters: PubMed 27773428 (cited by Labcorp Genetics (formerly Invitae), Labcorp); PubMed 28973161 (cited by Labcorp Genetics (formerly Invitae), Labcorp).

NM_181783.4(TMTC3):c.1554del (p.Lys518fs)

Gene: TMTC3 (transmembrane O-mannosyltransferase targeting cadherins 3; plus strand). Cytogenetic location: 12q21.32.
Variant type: Deletion.
Coding change: c.1554del on transcript NM_181783.4 (MANE Select); coding-DNA position 1554, one base deleted (A; older notation c.1554delA).
Protein change: p.Lys518fs; shifts the reading frame from lysine 518.
Molecular consequence: frameshift variant. On other transcripts: non-coding transcript variant (1).
Genome position (GRCh38, 1-based): chr12:88,190,470, A deleted; the last of 6 consecutive A bases (chr12:88,190,465-88,190,470); deleting any one gives the same sequence. VCF-style (leftmost placement, unchanged base first): chr12-88190464-TA-T. GRCh37 (hg19) VCF-style: chr12-88584241-TA-T.
Other names: c.1374del, p.Lys458fs (NM_001366574.1); c.1335del, p.Lys445fs (NM_001366579.1); c.1287del, p.Lys429fs (NM_001366580.1); c.861del, p.Lys287fs (NM_001366583.1); short protein forms K287fs, K429fs, K445fs, K458fs, K518fs.
Identifiers: ClinVar variation 1339495 (VCV001339495.8), dbSNP rs746894544, ClinGen allele CA693132535.